The following is an entry in ClinVar:

NM_206933.4(USH2A):c.14791+5G>T

Gene: USH2A (usherin; minus strand). Cytogenetic location: 1q41.
Variant type: single nucleotide variant.
Coding change: c.14791+5G>T on transcript NM_206933.4 (MANE Select); 5 bases into the intron after coding-DNA position 14791, G replaced by T.
Molecular consequence: intron variant.
Genome position (GRCh38, 1-based): chr1:215,647,517, C>A on the plus strand (G>T on the coding strand, the complement: USH2A is on the minus strand). VCF-style: chr1-215647517-C-A. GRCh37 (hg19) VCF-style: chr1-215820859-C-A.
Identifiers: ClinVar variation 866233 (VCV000866233.11), dbSNP rs1235430504, ClinGen allele CA529002106.

ClinVar aggregate classification (germline): Pathogenic/Likely pathogenic. Review status: criteria provided, multiple submitters, no conflicts (2 of 4 stars). 5 submissions from 5 submitters: Pathogenic (1); Likely pathogenic (4). Last evaluated 2026-01-12.

Conditions:
USH2A-related disorder. Also called: USH2A-related condition; USH2A-related disorders. Identifiers: MedGen CN239332.
Retinitis pigmentosa 39 (RP39). Identifiers: Orphanet 791, MedGen C3151138, MONDO:0013436, OMIM 613809.
Usher syndrome type 2A. Also called: RETINAL DISEASE IN USHER SYNDROME TYPE IIA, MODIFIER OF; USHER SYNDROME, TYPE IIA. Identifiers: Orphanet 231178, Orphanet 886, MedGen C1848634, MONDO:0010169, OMIM 276901.

Allele frequency attached by ClinVar (database versions not stated): gnomAD exomes 0.00001; TOPMed 0.00001.
gnomAD v4.1: 13 of 1,613,730 alleles (0.00081%); highest among the groups gnomAD compares: Non-Finnish European, 0.001%; no homozygotes.

Submissions (5):

Labcorp Genetics (formerly Invitae), Labcorp
Classification: Pathogenic. Last evaluated: 2026-01-12. Review status: criteria provided, single submitter. Criteria: Invitae Variant Classification Sherloc (09022015). Collection method: clinical testing. Allele origin: germline.
Comment: This sequence change falls in intron 67 of the USH2A gene. It does not directly change the encoded amino acid sequence of the USH2A protein. It affects a nucleotide within the consensus splice site. This variant is present in population databases (no rsID available, gnomAD 0.003%). This variant has been observed in individual(s) with Usher syndrome (PMID: 24944099). In at least one individual the data is consistent with being in trans (on the opposite chromosome) from a pathogenic variant. ClinVar contains an entry for this variant (Variation ID: 866233). Variants that disrupt the consensus splice site are a relatively common cause of aberrant splicing (PMID: 17576681, 9536098). Algorithms developed to predict the effect of sequence changes on RNA splicing suggest that this variant may disrupt the consensus splice site. For these reasons, this variant has been classified as Pathogenic.

Fulgent Genetics
Classification: Likely pathogenic for Usher syndrome type 2A; Retinitis pigmentosa 39. Last evaluated: 2024-02-21. Review status: criteria provided, single submitter. Criteria: ACMG Guidelines, 2015. Collection method: clinical testing. Allele origin: germline.

Genome-Nilou Lab
Classification: Likely pathogenic for Retinitis pigmentosa 39. Last evaluated: 2023-04-11. Review status: criteria provided, single submitter. Criteria: ACMG Guidelines, 2015. Collection method: clinical testing. Allele origin: germline. Affected: no.

Neuberg Centre For Genomic Medicine, NCGM
Classification: Likely pathogenic for Usher syndrome type 2A. Last evaluated: 2023-03-01. Review status: criteria provided, single submitter. Criteria: ACMG Guidelines, 2015. Collection method: clinical testing. Allele origin: germline. Inheritance: Autosomal recessive inheritance. Affected: yes.
Comment: The invariant splice region c.14791+5G>T variant has been reported in compound heterozygous state in individuals affected with USH2A related syndrome (Baux D, et. al., 2014). The variant is reported with an allele frequency of 0.001% in the gnomAD exomes database and is novel (not in any individuals) in 1000 Genomes database. This variant has been reported to the ClinVar database as Pathogenic/ Likely pathogenic. Functional studies are required to prove the pathogenicity of the variant. For these reasons, this variant has been classified as Likely Pathogenic.

Blueprint Genetics
Classification: Likely pathogenic for USH2A-related disorders. Last evaluated: 2019-04-26. Review status: criteria provided, single submitter. Criteria: ACMG Guidelines, 2015. Collection method: clinical testing. Allele origin: germline. Affected: yes. Observed: 2 variant alleles.

Literature cited by the submitters: PubMed 24944099 (cited by Labcorp Genetics (formerly Invitae), Labcorp); PubMed 17576681 (cited by Labcorp Genetics (formerly Invitae), Labcorp); PubMed 9536098 (cited by Labcorp Genetics (formerly Invitae), Labcorp).